The following is an entry in ClinVar:

NM_005236.3(ERCC4):c.950A>G (p.Glu317Gly)

Gene: ERCC4 (ERCC excision repair 4, endonuclease catalytic subunit; plus strand). Cytogenetic location: 16p13.12.
Variant type: single nucleotide variant.
Coding change: c.950A>G on transcript NM_005236.3 (MANE Select); coding-DNA position 950, A replaced by G.
Protein change: p.Glu317Gly; replaces glutamic acid 317 with glycine.
Molecular consequence: missense variant.
Genome position (GRCh38, 1-based): chr16:13,930,867, A>G. VCF-style: chr16-13930867-A-G. GRCh37 (hg19) VCF-style: chr16-14024724-A-G.
Other names: short protein forms E317G.
Identifiers: ClinVar variation 1441201 (VCV001441201.6), dbSNP rs773938568, ClinGen allele CA7910311.

ClinVar aggregate classification (germline): Uncertain significance (1 of 4 stars; one submission).

Conditions:
Cockayne syndrome. Identifiers: Orphanet 191, MedGen C0009207, MONDO:0016006.
Xeroderma pigmentosum, group F (XPF). Also called: XERODERMA PIGMENTOSUM, COMPLEMENTATION GROUP F; XERODERMA PIGMENTOSUM, TYPE F; Xeroderma pigmentosum, type 6; ERCC4-Related Xeroderma Pigmentosum; XERODERMA PIGMENTOSUM VI; XP, GROUP F. Identifiers: MedGen C0268140, MONDO:0010215, OMIM 278760.
Fanconi anemia complementation group Q. Identifiers: Orphanet 84, MedGen C3808988, MONDO:0014108, OMIM 615272.

Allele frequency attached by ClinVar (database versions not stated): ExAC 0.00001.
gnomAD v4.1: 3 of 1,612,594 alleles (0.00019%); highest among the groups gnomAD compares: Non-Finnish European, 0.00025%; no homozygotes.

Submission:

Labcorp Genetics (formerly Invitae), Labcorp
Classification: Uncertain significance for Fanconi anemia complementation group Q; Xeroderma pigmentosum, group F; Cockayne syndrome. Last evaluated: 2022-03-15. Review status: criteria provided, single submitter. Criteria: Invitae Variant Classification Sherloc (09022015). Collection method: clinical testing. Allele origin: germline.
Comment: In summary, the available evidence is currently insufficient to determine the role of this variant in disease. Therefore, it has been classified as a Variant of Uncertain Significance. Algorithms developed to predict the effect of missense changes on protein structure and function are either unavailable or do not agree on the potential impact of this missense change (SIFT: "Deleterious"; PolyPhen-2: "Benign"; Align-GVGD: "Class C15"). This variant has not been reported in the literature in individuals affected with ERCC4-related conditions. This variant is not present in population databases (gnomAD no frequency). This sequence change replaces glutamic acid, which is acidic and polar, with glycine, which is neutral and non-polar, at codon 317 of the ERCC4 protein (p.Glu317Gly).